The following is an entry in ClinVar:

NM_020937.4(FANCM):c.4821T>G (p.Cys1607Trp)

Gene: FANCM (FA complementation group M; plus strand). Cytogenetic location: 14q21.2.
Variant type: single nucleotide variant.
Coding change: c.4821T>G on transcript NM_020937.4 (MANE Select); coding-DNA position 4821, T replaced by G.
Protein change: p.Cys1607Trp; replaces cysteine 1607 with tryptophan.
Molecular consequence: missense variant.
Genome position (GRCh38, 1-based): chr14:45,188,843, T>G. VCF-style: chr14-45188843-T-G. GRCh37 (hg19) VCF-style: chr14-45658046-T-G.
Other names: c.4743T>G, p.Cys1581Trp (NM_001308133.2); short protein forms C1581W, C1607W.
Identifiers: ClinVar variation 2189776 (VCV002189776.5), dbSNP rs572955954, ClinGen allele CA7169866.

ClinVar aggregate classification (germline): Uncertain significance. Review status: criteria provided, multiple submitters, no conflicts (2 of 4 stars). 2 submissions from 2 submitters: Uncertain significance (2). Last evaluated 2026-08-16.

Conditions:
Inborn genetic diseases. Identifiers: MedGen C0950123, MeSH D030342.
Fanconi anemia (FA). Also called: Fanconi's anemia. Identifiers: Orphanet 84, MedGen C0015625, MeSH D005199, MONDO:0019391.

Allele frequency attached by ClinVar (database versions not stated): 1000 Genomes Project 0.00040; 1000 Genomes Project 30x 0.00047; ExAC 0.00002.
gnomAD v4.1: 3 of 1,613,494 alleles (0.00019%); highest among the groups gnomAD compares: South Asian, 0.0033%; no homozygotes.

Submissions (2):

Ambry Genetics
Classification: Uncertain significance for Inborn genetic diseases. Last evaluated: 2026-08-16. Review status: criteria provided, single submitter. Criteria: Ambry Variant Classification Scheme 2023. Collection method: clinical testing. Allele origin: germline.
Comment: The p.C1607W variant (also known as c.4821T>G), located in coding exon 20 of the FANCM gene, results from a T to G substitution at nucleotide position 4821. The cysteine at codon 1607 is replaced by tryptophan, an amino acid with highly dissimilar properties. This amino acid position is conserved. In addition, this alteration is predicted to be deleterious by in silico analysis. Based on the available evidence, the clinical significance of this variant remains unclear.

Labcorp Genetics (formerly Invitae), Labcorp
Classification: Uncertain significance for Fanconi anemia. Last evaluated: 2022-11-28. Review status: criteria provided, single submitter. Criteria: Invitae Variant Classification Sherloc (09022015). Collection method: clinical testing. Allele origin: germline.
Comment: This sequence change replaces cysteine, which is neutral and slightly polar, with tryptophan, which is neutral and slightly polar, at codon 1607 of the FANCM protein (p.Cys1607Trp). This variant is present in population databases (rs572955954, gnomAD 0.01%). This variant has not been reported in the literature in individuals affected with FANCM-related conditions. Algorithms developed to predict the effect of missense changes on protein structure and function are either unavailable or do not agree on the potential impact of this missense change (SIFT: "Deleterious"; PolyPhen-2: "Probably Damaging"; Align-GVGD: "Class C0"). In summary, the available evidence is currently insufficient to determine the role of this variant in disease. Therefore, it has been classified as a Variant of Uncertain Significance.